The following is an entry in ClinVar:

NM_006767.4(LZTR1):c.242A>G (p.Tyr81Cys)

Gene: LZTR1 (leucine zipper like post translational regulator 1; plus strand). Cytogenetic location: 22q11.21.
Variant type: single nucleotide variant.
Coding change: c.242A>G on transcript NM_006767.4 (MANE Select); coding-DNA position 242, A replaced by G.
Protein change: p.Tyr81Cys; replaces tyrosine 81 with cysteine.
Molecular consequence: missense variant.
Genome position (GRCh38, 1-based): chr22:20,983,068, A>G. VCF-style: chr22-20983068-A-G. GRCh37 (hg19) VCF-style: chr22-21337357-A-G.
Other names: short protein forms Y81C.
Identifiers: ClinVar variation 2496777 (VCV002496777.8), dbSNP rs779864268, ClinGen allele CA10118317.

ClinVar aggregate classification (germline): Uncertain significance. Review status: criteria provided, multiple submitters, no conflicts (2 of 4 stars). 4 submissions from 4 submitters: Uncertain significance (4). Last evaluated 2025-11-29.

Conditions:
Hereditary cancer-predisposing syndrome. Also called: Neoplastic Syndromes, Hereditary; Hereditary neoplastic syndrome; Tumor predisposition; Hereditary Cancer Syndrome. Identifiers: Orphanet 140162, MedGen C0027672, MeSH D009386, MONDO:0015356.
Cardiovascular phenotype. Identifiers: MedGen CN230736.
LZTR1-related schwannomatosis. Also called: Schwannomatosis 2; Schwannomatosis-2, susceptibility to. Identifiers: Orphanet 93921, MedGen C3810283, MONDO:0014299, OMIM 615670.

Allele frequency attached by ClinVar (database versions not stated): TOPMed below 0.00001; ExAC 0.00001.
gnomAD v4.1: 1 of 1,614,036 alleles (0.000062%); highest among the groups gnomAD compares: Non-Finnish European, 0.000085%; no homozygotes.

Submissions (4):

Ambry Genetics
Classification: Uncertain significance for Cardiovascular phenotype; Hereditary cancer-predisposing syndrome. Last evaluated: 2025-11-29. Review status: criteria provided, single submitter. Criteria: Ambry Variant Classification Scheme 2023. Collection method: clinical testing. Allele origin: germline.
Comment: The p.Y81C variant (also known as c.242A>G), located in coding exon 2 of the LZTR1 gene, results from an A to G substitution at nucleotide position 242. The tyrosine at codon 81 is replaced by cysteine, an amino acid with highly dissimilar properties. This amino acid position is conserved. In addition, this alteration is predicted to be deleterious by in silico analysis. Since supporting evidence is limited at this time, the clinical significance of this alteration remains unclear.

Labcorp Genetics (formerly Invitae), Labcorp
Classification: Uncertain significance. Last evaluated: 2025-11-25. Review status: criteria provided, single submitter. Criteria: Invitae Variant Classification Sherloc (09022015). Collection method: clinical testing. Allele origin: germline.
Comment: This sequence change replaces tyrosine, which is neutral and polar, with cysteine, which is neutral and slightly polar, at codon 81 of the LZTR1 protein (p.Tyr81Cys). This variant is present in population databases (rs779864268, gnomAD 0.0009%). This variant has not been reported in the literature in individuals affected with LZTR1-related conditions. ClinVar contains an entry for this variant (Variation ID: 2496777). Invitae Evidence Modeling of protein sequence and biophysical properties (such as structural, functional, and spatial information, amino acid conservation, physicochemical variation, residue mobility, and thermodynamic stability) indicates that this missense variant is not expected to disrupt LZTR1 protein function with a negative predictive value of 80%. In summary, the available evidence is currently insufficient to determine the role of this variant in disease. Therefore, it has been classified as a Variant of Uncertain Significance.

Baylor Genetics
Classification: Uncertain significance for LZTR1-related schwannomatosis. Last evaluated: 2024-03-15. Review status: criteria provided, single submitter. Criteria: ACMG Guidelines, 2015. Collection method: clinical testing. Allele origin: unknown.

GeneDx
Classification: Uncertain significance. Last evaluated: 2023-05-25. Review status: criteria provided, single submitter. Criteria: GeneDx Variant Classification Process June 2021. Collection method: clinical testing. Allele origin: germline. Affected: yes.
Comment: Not observed at significant frequency in large population cohorts (gnomAD); In silico analysis supports that this missense variant has a deleterious effect on protein structure/function; Has not been previously published as pathogenic or benign to our knowledge